The following is an entry in ClinVar:

ClinVar aggregate classification (germline): Likely benign. Review status: criteria provided, multiple submitters, no conflicts (2 of 4 stars). 4 submissions from 4 submitters: Likely benign (4). Last evaluated 2025-11-24.

Conditions:
Pancytopenia-developmental delay syndrome. Also called: Bone marrow failure syndrome 2. Identifiers: Orphanet 401764, MedGen C3810350, MONDO:0014317, OMIM 615715.

Allele frequency attached by ClinVar (database versions not stated): gnomAD 0.00001 and 0.00011; TOPMed 0.00002; gnomAD exomes 0.00034 and 0.00066; ExAC 0.00078; 1000 Genomes Project 30x 0.00094; 1000 Genomes Project 0.00100.
gnomAD v4.1: 432 of 1,361,538 alleles (0.032%); highest among the groups gnomAD compares: South Asian, 0.47%; 4 homozygotes.

Submissions (4):

Labcorp Genetics (formerly Invitae), Labcorp
Classification: Likely benign. Last evaluated: 2025-11-24. Review status: criteria provided, single submitter. Criteria: Invitae Variant Classification Sherloc (09022015). Collection method: clinical testing. Allele origin: germline.

Mayo Clinic Laboratories, Mayo Clinic
Classification: Likely benign. Last evaluated: 2025-09-17. Review status: criteria provided, single submitter. Criteria: ACMG Guidelines, 2015. Collection method: clinical testing. Allele origin: germline. Observed: 1 variant allele.
Comment: BS1, BP4_moderate

Fulgent Genetics
Classification: Likely benign for Pancytopenia-developmental delay syndrome. Last evaluated: 2021-07-24. Review status: criteria provided, single submitter. Criteria: ACMG Guidelines, 2015. Collection method: clinical testing. Allele origin: unknown.

Genetic Services Laboratory, University of Chicago
Classification: Likely benign. Last evaluated: 2021-07-21. Review status: criteria provided, single submitter. Criteria: ACMG Guidelines, 2015. Collection method: clinical testing. Allele origin: germline. Affected: no.

NM_020207.7(ERCC6L2):c.3839A>C (p.Gln1280Pro)

Gene: ERCC6L2 (ERCC excision repair 6 like 2; plus strand). Cytogenetic location: 9q22.32.
Variant type: single nucleotide variant.
Coding change: c.3839A>C on transcript NM_020207.7 (MANE Select); coding-DNA position 3839, A replaced by C.
Protein change: p.Gln1280Pro; replaces glutamine 1280 with proline.
Molecular consequence: missense variant. On other transcripts: non-coding transcript variant (1), intron variant (2).
Genome position (GRCh38, 1-based): chr9:96,012,389, A>C. VCF-style: chr9-96012389-A-C. GRCh37 (hg19) VCF-style: chr9-98774671-A-C.
Other names: p.Gln1291Pro; c.3674+7688A>C (NM_001375291.1, NM_001375292.1); c.3872A>C (NM_020207.5); short protein forms Q1280P.
Identifiers: ClinVar variation 1337644 (VCV001337644.13), dbSNP rs554013810, ClinGen allele CA5140006.
Genomic context (GRCh38, chr9:96,012,389, plus strand): 5'-GAGACTTTTATGCTTCTCAATATCCAGAGGTAAAAGAATTTTTTGTGGATTCTGTGTCAC[A>C]ATTCAACAATTCTTCCTTTGAGAAAGGAGAGCAGCGCACCCGGAAGAAATCTGATAAAAG-3'
Protein context (NP_064592.3, residues 1270-1290): VKEFFVDSVS[Gln1280Pro]FNNSSFEKGE